The following is an entry in ClinVar:

ClinVar aggregate classification (germline): Uncertain significance (1 of 4 stars; one submission).

Submission:

Labcorp Genetics (formerly Invitae), Labcorp
Classification: Uncertain significance. Last evaluated: 2022-07-11. Review status: criteria provided, single submitter. Criteria: Invitae Variant Classification Sherloc (09022015). Collection method: clinical testing. Allele origin: germline.
Comment: In summary, the available evidence is currently insufficient to determine the role of this variant in disease. Therefore, it has been classified as a Variant of Uncertain Significance. Variants that disrupt the consensus splice site are a relatively common cause of aberrant splicing (PMID: 17576681, 9536098). Algorithms developed to predict the effect of sequence changes on RNA splicing suggest that this variant is not likely to affect RNA splicing. This variant has not been reported in the literature in individuals affected with TUBGCP4-related conditions. This variant is not present in population databases (gnomAD no frequency). This sequence change falls in intron 4 of the TUBGCP4 gene. It does not directly change the encoded amino acid sequence of the TUBGCP4 protein. It affects a nucleotide within the consensus splice site.

Literature cited by the submitters: PubMed 17576681; PubMed 9536098.

NM_014444.5(TUBGCP4):c.384+6C>T

Gene: TUBGCP4 (tubulin gamma complex component 4; plus strand). Cytogenetic location: 15q15.3.
Variant type: single nucleotide variant.
Coding change: c.384+6C>T on transcript NM_014444.5 (MANE Select); 6 bases into the intron after coding-DNA position 384, C replaced by T.
Molecular consequence: intron variant.
Genome position (GRCh38, 1-based): chr15:43,377,073, C>T. VCF-style: chr15-43377073-C-T. GRCh37 (hg19) VCF-style: chr15-43669271-C-T.
Other names: c.384+6C>T (NM_001286414.3).
Identifiers: ClinVar variation 2016164 (VCV002016164.4), dbSNP rs2542983316, ClinGen allele CA2580089439.
Genomic context (GRCh38, chr15:43,377,073, plus strand): 5'-GTTCCTGGGTGATCCCCATCTCTCCATATCACATGTCAACTACTTCCTAGACCAGGTATG[C>T]TGCCCAAATAACCAAATGCCTTGCAATCTGTTGATAGTGTTAGAATAATCTAATTTATGG-3'